The following is an entry in ClinVar:

NM_133379.5(TTN):c.15606C>T (p.Phe5202=)

Gene: TTN (titin; minus strand). Cytogenetic location: 2q31.2.
Variant type: single nucleotide variant.
Coding change: c.15606C>T on transcript NM_133379.5 (MANE Plus Clinical); coding-DNA position 15606, C replaced by T.
Protein change: p.Phe5202=; no amino-acid change (phenylalanine 5202 retained).
Molecular consequence: synonymous variant. On other transcripts: intron variant (6).
Genome position (GRCh38, 1-based): chr2:178,746,794, G>A on the plus strand (C>T on the coding strand, the complement: TTN is on the minus strand). VCF-style: chr2-178746794-G-A. GRCh37 (hg19) VCF-style: chr2-179611521-G-A.
Other names: c.10223-4873C>T (NM_003319.4); c.10799-4873C>T (NM_133437.4); c.10598-4873C>T (NM_133432.3); c.10360+6330C>T (NM_133378.4); c.10361-4873C>T (NM_001256850.1); c.11312-4873C>T (NM_001267550.2).
Identifiers: ClinVar variation 69440 (VCV000069440.5), dbSNP rs138122578, ClinGen allele CA10575610.
Genomic context (GRCh38, chr2:178,746,794, plus strand): 5'-TAAAGATTTATTTCGATACCATTTCACACCAGGAACTGGAAGACCTTCAACTTCAACAAT[G>A]AAGCCTAGTGTTGTGTTTTCATATACCTTCCTTTTGGTCAGAGGTTCAATAAAAGATGGA-3'

ClinVar aggregate classification (germline): Likely benign (1 of 4 stars; one submission).

Submission:

Laboratory for Molecular Medicine, Mass General Brigham Personalized Medicine
Classification: Likely benign. Last evaluated: 2015-06-25. Review status: criteria provided, single submitter. Criteria: LMM Criteria. Collection method: clinical testing. Allele origin: germline. Observed: 1 variant allele.
Comment: p.Phe5202Phe in exon 45A of TTN: This variant is not expected to have clinical s ignificance because it does not alter an amino acid residue and is not located w ithin the splice consensus sequence.